The following is an entry in ClinVar:

ClinVar aggregate classification (germline): Likely pathogenic. Review status: criteria provided, single submitter (1 of 4 stars). 2 submissions from 2 submitters: Likely pathogenic (1). 1 of the submissions does not count toward it. Last evaluated 2025-12-22.

Allele frequency attached by ClinVar (database versions not stated): gnomAD exomes below 0.00001; TOPMed 0.00001.
gnomAD v4.1: 5 of 1,607,642 alleles (0.00031%); highest among the groups gnomAD compares: Non-Finnish European, 0.00026%; no homozygotes.

Submissions (2):

Dasa
Classification: Likely pathogenic. Last evaluated: 2025-12-22. Review status: criteria provided, single submitter. Criteria: DASA Assertion Criteria. Collection method: clinical testing. Allele origin: germline.
Comment: NM_005236.3(ERCC4):c.584+1G>A affects a canonical splice site and is predicted to disrupt normal RNA splicing. Loss of function is an established disease mechanism for ERCC4-associated disorders. Published studies describe this variant in association with related phenotype (PMID: 24027083). Also, this variant is rare in population databases. Based on the currently available evidence, this variant is classified as likely pathogenic.

Leiden Open Variation Database
Classification: Uncertain significance. Last evaluated: 2014-10-06. Review status: no assertion criteria provided. Collection method: curation. Allele origin: germline. Affected: yes. Not counted in ClinVar's aggregate classification.
Comment: Curator: Arleen D. Auerbach. Submitter to LOVD: Ana Osorio.

Literature cited by the submitters: PubMed 24027083 (cited by Dasa and Leiden Open Variation Database).

NM_005236.3(ERCC4):c.584+1G>A

Gene: ERCC4 (ERCC excision repair 4, endonuclease catalytic subunit; plus strand). Cytogenetic location: 16p13.12.
Variant type: single nucleotide variant.
Coding change: c.584+1G>A on transcript NM_005236.3 (MANE Select); the canonical splice donor site of the intron after coding-DNA position 584, G replaced by A.
Molecular consequence: splice donor variant.
Genome position (GRCh38, 1-based): chr16:13,926,757, G>A. VCF-style: chr16-13926757-G-A. GRCh37 (hg19) VCF-style: chr16-14020614-G-A.
Identifiers: ClinVar variation 929556 (VCV000929556.3), dbSNP rs2032080620, ClinGen allele CA394801902.